The following is an entry in ClinVar:

NM_000062.3(SERPING1):c.52-1G>C

Gene: SERPING1 (serpin family G member 1; plus strand). Cytogenetic location: 11q12.1.
Variant type: single nucleotide variant.
Coding change: c.52-1G>C on transcript NM_000062.3 (MANE Select); the canonical splice acceptor site of the intron before coding-DNA position 52, G replaced by C.
Molecular consequence: splice acceptor variant.
Genome position (GRCh38, 1-based): chr11:57,599,878, G>C. VCF-style: chr11-57599878-G-C. GRCh37 (hg19) VCF-style: chr11-57367351-G-C.
Other names: c.52-1G>C (NM_001032295.2).
Identifiers: ClinVar variation 2822567 (VCV002822567.3), dbSNP rs886041353, ClinGen allele CA380694175.

ClinVar aggregate classification (germline): Likely pathogenic (1 of 4 stars; one submission).

Submission:

Labcorp Genetics (formerly Invitae), Labcorp
Classification: Likely pathogenic. Last evaluated: 2022-12-20. Review status: criteria provided, single submitter. Criteria: Invitae Variant Classification Sherloc (09022015). Collection method: clinical testing. Allele origin: germline.
Comment: In summary, the currently available evidence indicates that the variant is pathogenic, but additional data are needed to prove that conclusively. Therefore, this variant has been classified as Likely Pathogenic. Algorithms developed to predict the effect of sequence changes on RNA splicing suggest that this variant may disrupt the consensus splice site. Disruption of this splice site has been observed in individual(s) with hereditary angioedema (PMID: 18758157). This variant is not present in population databases (gnomAD no frequency). This sequence change affects an acceptor splice site in intron 2 of the SERPING1 gene. It is expected to disrupt RNA splicing. Variants that disrupt the donor or acceptor splice site typically lead to a loss of protein function (PMID: 16199547), and loss-of-function variants in SERPING1 are known to be pathogenic (PMID: 11112899, 24456027).

Literature cited by the submitters: PubMed 18758157; PubMed 16199547; PubMed 11112899; PubMed 24456027.